The following is an entry in ClinVar:

ClinVar aggregate classification (germline): Conflicting classifications of pathogenicity. Review status: criteria provided, conflicting classifications (1 of 4 stars). 3 submissions from 3 submitters: Uncertain significance (2); Likely benign (1). Last evaluated 2026-05-06.

Conditions:
Hereditary cancer-predisposing syndrome. Also called: Tumor predisposition; Hereditary neoplastic syndrome; Neoplastic Syndromes, Hereditary; Hereditary Cancer Syndrome. Identifiers: Orphanet 140162, MedGen C0027672, MeSH D009386, MONDO:0015356.
Cardiovascular phenotype. Identifiers: MedGen CN230736.
Neurofibromatosis, type 1 (NF1). Also called: Neurofibromatosis, type I; VON RECKLINGHAUSEN DISEASE; NEUROFIBROMATOSIS, TYPE I, SOMATIC; Peripheral type neurofibromatosis. Identifiers: Orphanet 636, MedGen C0027831, MONDO:0018975, OMIM 162200. Disease mechanism: loss of function.

Submissions (3):

Ambry Genetics
Classification: Likely benign for Cardiovascular phenotype; Hereditary cancer-predisposing syndrome. Last evaluated: 2026-05-06. Review status: criteria provided, single submitter. Criteria: Ambry Variant Classification Scheme 2023. Collection method: clinical testing. Allele origin: germline.

Labcorp Genetics (formerly Invitae), Labcorp
Classification: Uncertain significance for Neurofibromatosis, type 1. Last evaluated: 2025-06-23. Review status: criteria provided, single submitter. Criteria: Invitae Variant Classification Sherloc (09022015). Collection method: clinical testing. Allele origin: germline.
Comment: This sequence change replaces serine, which is neutral and polar, with isoleucine, which is neutral and non-polar, at codon 1124 of the NF1 protein (p.Ser1124Ile). This variant is not present in population databases (gnomAD no frequency). This variant has not been reported in the literature in individuals affected with NF1-related conditions. ClinVar contains an entry for this variant (Variation ID: 481982). Invitae Evidence Modeling of protein sequence and biophysical properties (such as structural, functional, and spatial information, amino acid conservation, physicochemical variation, residue mobility, and thermodynamic stability) indicates that this missense variant is not expected to disrupt NF1 protein function with a negative predictive value of 95%. In summary, the available evidence is currently insufficient to determine the role of this variant in disease. Therefore, it has been classified as a Variant of Uncertain Significance.

Genome-Nilou Lab
Classification: Uncertain significance for Neurofibromatosis, type 1. Last evaluated: 2022-03-15. Review status: criteria provided, single submitter. Criteria: ACMG Guidelines, 2015. Collection method: clinical testing. Allele origin: germline. Affected: no.

NM_001042492.3(NF1):c.3371G>T (p.Ser1124Ile)

Gene: NF1 (neurofibromin 1; plus strand). Cytogenetic location: 17q11.2.
Variant type: single nucleotide variant.
Coding change: c.3371G>T on transcript NM_001042492.3 (MANE Select); coding-DNA position 3371, G replaced by T.
Protein change: p.Ser1124Ile; replaces serine 1124 with isoleucine.
Molecular consequence: missense variant.
Genome position (GRCh38, 1-based): chr17:31,232,756, G>T. VCF-style: chr17-31232756-G-T. GRCh37 (hg19) VCF-style: chr17-29559774-G-T.
Other names: c.3371G>T, p.Ser1124Ile (NM_000267.4); short protein forms S1124I.
Identifiers: ClinVar variation 481982 (VCV000481982.15), dbSNP rs374472758, ClinGen allele CA398989091.